The following is an entry in ClinVar:

ClinVar aggregate classification (germline): Uncertain significance. Review status: criteria provided, multiple submitters, no conflicts (2 of 4 stars). 2 submissions from 2 submitters: Uncertain significance (2). Last evaluated 2026-07-28.

Conditions:
DMXL2-related disorder. Also called: DMXL2-related condition.
Inborn genetic diseases. Identifiers: MedGen C0950123, MeSH D030342.

gnomAD v4.1: 26 of 1,613,392 alleles (0.0016%); highest among the groups gnomAD compares: Non-Finnish European, 0.0021%; no homozygotes.

Submissions (2):

PreventionGenetics, part of Exact Sciences
Classification: Uncertain significance for DMXL2-related condition. Last evaluated: 2026-07-28. Review status: criteria provided, single submitter. Criteria: ACMG Guidelines, 2015. Collection method: clinical testing. Allele origin: germline.
Comment: The DMXL2 c.6010A>G variant is predicted to result in the amino acid substitution p.Arg2004Gly. To our knowledge, this variant has not been reported in the literature. This variant is reported in 0.0018% of alleles in individuals of European (Non-Finnish) descent in gnomAD. At this time, the clinical significance of this variant is uncertain due to the absence of conclusive functional and genetic evidence.

Ambry Genetics
Classification: Uncertain significance for Inborn genetic diseases. Last evaluated: 2024-03-27. Review status: criteria provided, single submitter. Criteria: Ambry Variant Classification Scheme 2023. Collection method: clinical testing. Allele origin: germline.

NM_001378457.1(DMXL2):c.6010A>G (p.Arg2004Gly)

Gene: DMXL2 (Dmx like 2; minus strand). Cytogenetic location: 15q21.2.
Variant type: single nucleotide variant.
Coding change: c.6010A>G on transcript NM_001378457.1 (MANE Select); coding-DNA position 6010, A replaced by G.
Protein change: p.Arg2004Gly; replaces arginine 2004 with glycine.
Molecular consequence: missense variant. On other transcripts: non-coding transcript variant (2).
Genome position (GRCh38, 1-based): chr15:51,481,096, T>C on the plus strand (A>G on the coding strand, the complement: DMXL2 is on the minus strand). VCF-style: chr15-51481096-T-C. GRCh37 (hg19) VCF-style: chr15-51773293-T-C.
Other names: c.4102A>G, p.Arg1368Gly (NM_001174117.3); c.6010A>G, p.Arg2004Gly (NM_001378458.1, NM_001378459.1, NM_001378461.1 and 4 more transcripts); c.3991A>G, p.Arg1331Gly (NM_001378460.1); c.5770A>G, p.Arg1924Gly (NM_001378464.1); short protein forms R1924G, R1331G, R2004G, R1368G.
Identifiers: ClinVar variation 3272480 (VCV003272480.2).